The following is an entry in ClinVar:

ClinVar aggregate classification (germline): Uncertain significance (1 of 4 stars; one submission).

Conditions:
Nephronophthisis. Also called: Juvenile Nephronophthisis. Identifiers: Orphanet 655, MedGen C0687120, MONDO:0019005, HP:0000090.

Submission:

Labcorp Genetics (formerly Invitae), Labcorp
Classification: Uncertain significance for Nephronophthisis. Last evaluated: 2021-07-17. Review status: criteria provided, single submitter. Criteria: Invitae Variant Classification Sherloc (09022015). Collection method: clinical testing. Allele origin: germline.
Comment: This sequence change replaces methionine with lysine at codon 576 of the NPHP1 protein (p.Met576Lys). The methionine residue is moderately conserved and there is a moderate physicochemical difference between methionine and lysine. Algorithms developed to predict the effect of missense changes on protein structure and function (SIFT, PolyPhen-2, Align-GVGD) all suggest that this variant is likely to be tolerated. This variant has not been reported in the literature in individuals affected with NPHP1-related conditions. This variant is not present in population databases (ExAC no frequency). In summary, the available evidence is currently insufficient to determine the role of this variant in disease. Therefore, it has been classified as a Variant of Uncertain Significance.

NM_001128178.3(NPHP1):c.1559T>A (p.Met520Lys)

Gene: NPHP1 (nephrocystin 1; minus strand). Cytogenetic location: 2q13.
Variant type: single nucleotide variant.
Coding change: c.1559T>A on transcript NM_001128178.3 (MANE Select); coding-DNA position 1559, T replaced by A.
Protein change: p.Met520Lys; replaces methionine 520 with lysine.
Molecular consequence: missense variant.
Genome position (GRCh38, 1-based): chr2:110,131,762, A>T on the plus strand (T>A on the coding strand, the complement: NPHP1 is on the minus strand). VCF-style: chr2-110131762-A-T. GRCh37 (hg19) VCF-style: chr2-110889339-A-T.
Other names: c.1727T>A, p.Met576Lys (NM_000272.5); c.1370T>A, p.Met457Lys (NM_001128179.3); c.1556T>A, p.Met519Lys (NM_001374256.1); c.1559T>A, p.Met520Lys (NM_001374257.1); c.1724T>A, p.Met575Lys (NM_207181.4); short protein forms M457K, M576K, M519K, M520K, M575K.
Identifiers: ClinVar variation 1499209 (VCV001499209.8), dbSNP rs1318488822, ClinGen allele CA348087122.